The following is an entry in ClinVar:

ClinVar aggregate classification (germline): Uncertain significance (1 of 4 stars; one submission).

Submission:

Labcorp Genetics (formerly Invitae), Labcorp
Classification: Uncertain significance. Last evaluated: 2021-09-14. Review status: criteria provided, single submitter. Criteria: Invitae Variant Classification Sherloc (09022015). Collection method: clinical testing. Allele origin: germline.
Comment: This sequence change replaces serine with proline at codon 75 of the CDH23 protein (p.Ser75Pro). The serine residue is highly conserved and there is a moderate physicochemical difference between serine and proline. This variant is not present in population databases (ExAC no frequency). This variant has not been reported in the literature in individuals with CDH23-related conditions. Algorithms developed to predict the effect of missense changes on protein structure and function are either unavailable or do not agree on the potential impact of this missense change (SIFT: "Deleterious"; PolyPhen-2: "Not Available"; Align-GVGD: "Class C0"). In summary, the available evidence is currently insufficient to determine the role of this variant in disease. Therefore, it has been classified as a Variant of Uncertain Significance.

NM_022124.6(CDH23):c.223T>C (p.Ser75Pro)

Genes: CDH23 (cadherin related 23; plus strand), CDH23-AS1 (CDH23 antisense RNA 1; minus strand). Cytogenetic location: 10q22.1.
Variant type: single nucleotide variant.
Coding change: c.223T>C on transcript NM_022124.6 (MANE Select); coding-DNA position 223, T replaced by C.
Protein change: p.Ser75Pro; replaces serine 75 with proline.
Molecular consequence: missense variant.
Genome position (GRCh38, 1-based): chr10:71,510,159, T>C. VCF-style: chr10-71510159-T-C. GRCh37 (hg19) VCF-style: chr10-73269916-T-C.
Other names: c.223T>C, p.Ser75Pro (NM_001171930.2, NM_001171931.2, NM_001171932.2 and 1 more transcripts); short protein forms S75P.
Identifiers: ClinVar variation 1393764 (VCV001393764.8), dbSNP rs2132196071, ClinGen allele CA377114314.